The following is an entry in ClinVar:

NM_000492.4(CFTR):c.1973del (p.Arg658fs)

Gene: CFTR (CF transmembrane conductance regulator; plus strand). Cytogenetic location: 7q31.2.
Variant type: Deletion.
Coding change: c.1973del on transcript NM_000492.4 (MANE Select); coding-DNA position 1973, one base deleted (G; older notation c.1973delG).
Protein change: p.Arg658fs; shifts the reading frame from arginine 658.
Molecular consequence: frameshift variant.
Genome position (GRCh38, 1-based): chr7:117,592,140, G deleted. VCF-style (leftmost placement, unchanged base first): chr7-117592139-AG-A. GRCh37 (hg19) VCF-style: chr7-117232193-AG-A.
Other names: short protein forms R658fs.
Identifiers: ClinVar variation 1705226 (VCV001705226.1), dbSNP rs2485109603, ClinGen allele CA2580076510.
Genomic context (GRCh38, chr7:117,592,139, plus strand): 5'-CCAGACTTTAGCTCAAAACTCATGGGATGTGATTCTTTCGACCAATTTAGTGCAGAAAGA[AG>A]AAATTCAATCCTAACTGAGACCTTACACCGTTTCTCATTAGAAGGAGATGCTCCTGTCTC-3'

ClinVar aggregate classification (germline): Likely pathogenic (1 of 4 stars; one submission).

Conditions:
Cystic fibrosis (CF). Also called: MUCOVISCIDOSIS. Identifiers: Orphanet 586, MedGen C0010674, MONDO:0009061, OMIM 219700. Disease mechanism: loss of function.

Submission:

Women's Health and Genetics/Laboratory Corporation of America, LabCorp
Classification: Likely pathogenic for Cystic fibrosis. Last evaluated: 2022-08-28. Review status: criteria provided, single submitter. Criteria: LabCorp Variant Classification Summary - May 2015. Collection method: clinical testing. Allele origin: germline.
Comment: Variant summary: CFTR c.1973delG (p.Arg658LysfsX5) results in a premature termination codon, predicted to cause a truncation of the encoded protein or absence of the protein due to nonsense mediated decay, which are commonly known mechanisms for disease. Truncations downstream of this position have been classified as pathogenic by our laboratory. The variant was absent in 250848 control chromosomes. To our knowledge, no occurrence of c.1973delG in individuals affected with Cystic Fibrosis and no experimental evidence demonstrating its impact on protein function have been reported. No clinical diagnostic laboratories have submitted clinical-significance assessments for this variant to ClinVar after 2014. Based on the evidence outlined above, the variant was classified as likely pathogenic.